The following is an entry in ClinVar:

NM_001370259.2(MEN1):c.654G>T (p.Arg218=)

Gene: MEN1 (menin 1; minus strand). Cytogenetic location: 11q13.1.
Variant type: single nucleotide variant.
Coding change: c.654G>T on transcript NM_001370259.2 (MANE Select); coding-DNA position 654, G replaced by T.
Protein change: p.Arg218=; no amino-acid change (arginine 218 retained).
Molecular consequence: synonymous variant. On other transcripts: non-coding transcript variant (4), intron variant (5).
Genome position (GRCh38, 1-based): chr11:64,807,891, C>A on the plus strand (G>T on the coding strand, the complement: MEN1 is on the minus strand). VCF-style: chr11-64807891-C-A. GRCh37 (hg19) VCF-style: chr11-64575363-C-A.
Other names: c.669G>T, p.Arg223= (NM_000244.4, NM_001407145.1, NM_001407150.1 and 5 more transcripts); c.654G>T, p.Arg218= (NM_001370251.2, NM_001370260.2, NM_001370261.2 and 7 more transcripts); c.549+105G>T (NM_001407148.1, NM_001407149.1, NM_001407151.1 and 2 more transcripts).
Identifiers: ClinVar variation 1754153 (VCV001754153.2), dbSNP rs2136148225, ClinGen allele CA475162820.

ClinVar aggregate classification (germline): Likely pathogenic (1 of 4 stars; one submission).

Conditions:
Hereditary cancer-predisposing syndrome. Also called: Neoplastic Syndromes, Hereditary; Tumor predisposition; Hereditary Cancer Syndrome; Hereditary neoplastic syndrome. Identifiers: Orphanet 140162, MedGen C0027672, MeSH D009386, MONDO:0015356.

Submission:

Ambry Genetics
Classification: Likely pathogenic for Hereditary cancer-predisposing syndrome. Last evaluated: 2022-07-12. Review status: criteria provided, single submitter. Criteria: Ambry Variant Classification Scheme 2023. Collection method: clinical testing. Allele origin: germline.
Comment: The c.654G>T variant (also known as p.R218R), located in coding exon 2 of the MEN1 gene, results from a G to T substitution at nucleotide position 654. This nucleotide substitution does not change the at codon 218. However, this change occurs in the last base pair of coding exon 2, which makes it likely to have some effect on normal mRNA splicing. This variant has previously been reported in an individual diagnosed with parathyroid and anterior pituitary tumors (Giraud S et al. Am. J. Hum. Genet. 1998 Aug; 63(2):455-67) and in a patient presenting with hyperthyroidism (Huby T et al. J Clin Endocrinol Metab 2022 03;107(4):e1367-e1373). In addition, this nucleotide position is highly conserved in available vertebrate species. Alterations that disrupt the canonical splice acceptor site are typically deleterious in nature (ACMG Recommendations for Standards for Interpretation and Reporting of Sequence Variations. Revision 2007. Genet Med. 2008;10:294). As such, this variant is classified as likely pathogenic.

Literature cited by the submitters: PubMed 9683585.